The following is an entry in ClinVar:

NC_000006.11:g.(?_65655676)_(65707606_?)del

Gene: EYS (eyes shut homolog; minus strand). Cytogenetic location: 6q12.
Variant type: Deletion.
Identifiers: ClinVar variation 1068597 (VCV001068597.2).

ClinVar aggregate classification (germline): Pathogenic (1 of 4 stars; one submission).

Submission:

Labcorp Genetics (formerly Invitae), Labcorp
Classification: Pathogenic. Last evaluated: 2022-10-08. Review status: criteria provided, single submitter. Criteria: Invitae Variant Classification Sherloc (09022015). Collection method: clinical testing. Allele origin: germline.
Comment: This variant is a gross deletion of the genomic region encompassing exon(s) 14-15 of the EYS gene. This deletion is out-of-frame, and is expected to create a premature termination codon and result in an absent or disrupted protein product. Loss-of-function variants in EYS are known to be pathogenic (PMID: 18836446, 20333770). This variant has not been reported in the literature in individuals affected with EYS-related conditions. For these reasons, this variant has been classified as Pathogenic.

Literature cited by the submitters: PubMed 18836446; PubMed 20333770.